The following is an entry in ClinVar:

ClinVar aggregate classification (germline): Uncertain significance (1 of 4 stars; one submission).

Conditions:
Congenital multicore myopathy with external ophthalmoplegia (CMYO1B). Also called: MULTIMINICORE DISEASE WITH EXTERNAL OPHTHALMOPLEGIA; MULTICORE MYOPATHY; Congenital myopathy 1B, autosomal recessive; Minicore myopathy; Minicore myopathy with external ophthalmoplegia. Identifiers: Orphanet 598, Orphanet 98905, MedGen C1850674, MONDO:0009712, OMIM 255320, HP:0003789.

gnomAD v4.1: 2 of 1,614,180 alleles (0.00012%); highest among the groups gnomAD compares: Middle Eastern, 0.016%; no homozygotes.

Submission:

3billion
Classification: Uncertain significance for Congenital multicore myopathy with external ophthalmoplegia. Last evaluated: 2025-10-13. Review status: criteria provided, single submitter. Criteria: ACMG Guidelines, 2015. Collection method: clinical testing. Allele origin: germline. Affected: yes.
Comment: The variant is observed at an extremely low frequency in the gnomAD v4.1.0 dataset (total allele frequency: <0.001%). Predicted Consequence/Location: The variant is located in a mutational hot spot and/or well-established functional domain in which established pathogenic variants have been reported (PMID: 33767344). In silico tool predictions suggest damaging effect of the variant on gene or gene product [REVEL: 0.88 (>=0.6, sensitivity 0.68 and specificity 0.92); 3Cnet: 0.99 (> 0.75, sensitivity 0.96 and precision 0.92)]. Therefore, this variant is classified as VUS according to the recommendation of ACMG/AMP guideline.

NM_000540.3(RYR1):c.7286T>G (p.Leu2429Trp)

Gene: RYR1 (ryanodine receptor 1; plus strand). Cytogenetic location: 19q13.2.
Variant type: single nucleotide variant.
Coding change: c.7286T>G on transcript NM_000540.3 (MANE Select); coding-DNA position 7286, T replaced by G.
Protein change: p.Leu2429Trp; replaces leucine 2429 with tryptophan.
Molecular consequence: missense variant.
Genome position (GRCh38, 1-based): chr19:38,499,979, T>G. VCF-style: chr19-38499979-T-G. GRCh37 (hg19) VCF-style: chr19-38990619-T-G.
Other names: c.7286T>G, p.Leu2429Trp (NM_001042723.2); short protein forms L2429W.
Identifiers: ClinVar variation 4855635 (VCV004855635.1).
Genomic context (GRCh38, chr19:38,499,979, plus strand): 5'-AACCGCCTGAAGAAAACCGGGTGCACCTGGGACACGCCATCATGTCCTTCTATGCCGCCT[T>G]GATCGACCTGCTCGGACGCTGTGCACCAGAGATGCATGTGAGACCCTGAGCCAGGGCAGG-3'
Protein context (NP_000531.2, residues 2419-2439): GHAIMSFYAA[Leu2429Trp]IDLLGRCAPE